The following is an entry in ClinVar:

ClinVar aggregate classification (germline): Uncertain significance (1 of 4 stars; one submission).

Conditions:
Acquired hemoglobin H disease (ATMDS). Also called: Alpha-thalassemia myelodysplasia syndrome; Alpha-thalassemia myelodysplasia syndrome, somatic; Alpha-thalassemia-myelodysplastic syndrome. Identifiers: Orphanet 231401, MedGen C0585216, MONDO:0010328, OMIM 300448.

Submission:

Genetics and Molecular Pathology, SA Pathology
Classification: Uncertain significance for Acquired hemoglobin H disease. Last evaluated: 2020-08-27. Review status: criteria provided, single submitter. Criteria: ACMG Guidelines, 2015. Collection method: clinical testing. Allele origin: germline. Affected: yes.
Comment: The ATRX c.371-2_371-1insAGA variant is classified as VUS (PM2, PP3) The ATRX c.371-2_371-1insAGA variant is located at the splice acceptor site. Computational predictions support a deleterious effect on splicing and a likely disruption of the protein reading frame and non-sense mediated decay of the resulting protein product (PVS1). Requires RNA studies for confirmation of splice effect Note that g.HGVS nomenclature should read: NC_000023.10:g.76949427_76949428insTCT

NM_000489.6(ATRX):c.371-2_371-1insAAG

Gene: ATRX (ATRX chromatin remodeler; minus strand). Cytogenetic location: Xq21.1.
Variant type: Insertion.
Coding change: c.371-2_371-1insAAG on transcript NM_000489.6 (MANE Select); the canonical splice acceptor site of the intron before coding-DNA position 371, AAG inserted.
Molecular consequence: splice acceptor variant. On other transcripts: intron variant (1).
Genome position: GRCh38 VCF-style: chrX-77693938-C-CTCT. GRCh37 (hg19) VCF-style: chrX-76949427-C-CTCT.
Other names: c.370+2638_370+2639insAAG (NM_138270.5).
Identifiers: ClinVar variation 1803130 (VCV001803130.1), dbSNP rs2520123017, ClinGen allele CA1139532047.